The following is an entry in ClinVar:

Single allele

Gene: SCN1A (sodium voltage-gated channel alpha subunit 1; minus strand). Cytogenetic location: 2q24.3.
Variant type: Deletion.
Identifiers: ClinVar variation 3571519 (VCV003571519.1).

ClinVar aggregate classification (germline): Pathogenic (1 of 4 stars; one submission).

Submission:

Athena Diagnostics
Classification: Pathogenic. Last evaluated: 2024-11-07. Review status: criteria provided, single submitter. Criteria: Athena Diagnostics Criteria. Collection method: clinical testing. Allele origin: unknown.
Comment: This deletion includes all protein-coding segments of the SCN1A gene and is expected to result in the loss of a functional protein. Similar deletions of the SCN1A gene have not been reported in large, multi-ethnic general populations. Similar deletions of the SCN1A gene have been reported in multiple unrelated individuals with an SCN1A-related disorder.

Literature cited by the submitters: PubMed 17561957; PubMed 21719429; PubMed 19400878; PubMed 37471090; PubMed 37006128; PubMed 26068938; PubMed 16865694; PubMed 23195492.